The following is an entry in ClinVar:

NM_001145004.2(GOLGA6L6):c.1377A>G (p.Ile459Met)

Gene: GOLGA6L6 (golgin A6 family like 6 (gene/pseudogene); minus strand). Cytogenetic location: 15q11.2.
Variant type: single nucleotide variant.
Coding change: c.1377A>G on transcript NM_001145004.2 (MANE Select); coding-DNA position 1377, A replaced by G.
Protein change: p.Ile459Met; replaces isoleucine 459 with methionine.
Molecular consequence: missense variant.
Genome position (GRCh38, 1-based): chr15:20,535,057, T>C on the plus strand (A>G on the coding strand, the complement: GOLGA6L6 is on the minus strand). VCF-style: chr15-20535057-T-C. GRCh37 (hg19) VCF-style: chr15-20740295-A-C.
Other names: c.1455T>G (NM_001145004.1); short protein forms I459M.
Identifiers: ClinVar variation 2644937 (VCV002644937.24), dbSNP rs555450276, ClinGen allele CA266815559.

ClinVar aggregate classification (germline): Conflicting classifications of pathogenicity. Review status: criteria provided, conflicting classifications (1 of 4 stars). 2 submissions from 2 submitters: Uncertain significance (1); Likely benign (1). Last evaluated 2025-05-13.

Submissions (2):

Ambry Genetics
Classification: Uncertain significance. Last evaluated: 2025-05-13. Review status: criteria provided, single submitter. Criteria: Ambry Variant Classification Scheme 2023. Collection method: clinical testing. Allele origin: germline.

CeGaT Center for Human Genetics Tuebingen
Classification: Likely benign. Last evaluated: 2024-01-01. Review status: criteria provided, single submitter. Criteria: CeGaT Center For Human Genetics Tuebingen Variant Classification Criteria Version 2. Collection method: clinical testing. Allele origin: germline. Affected: yes. Observed: 3 variant alleles.
Comment: GOLGA6L6: BS2